The following is an entry in ClinVar:

ClinVar aggregate classification (germline): Likely pathogenic (1 of 4 stars; one submission).

Conditions:
Exostoses, multiple, type 2 (EXT2). Also called: Hereditary Multiple Osteochondromatosis, Type II; EXOSTOSES, MULTIPLE, TYPE II. Identifiers: Orphanet 321, MedGen C1851413, MONDO:0007586, OMIM 133701.

Submission:

Labcorp Genetics (formerly Invitae), Labcorp
Classification: Likely pathogenic for Exostoses, multiple, type 2. Last evaluated: 2022-11-29. Review status: criteria provided, single submitter. Criteria: Invitae Variant Classification Sherloc (09022015). Collection method: clinical testing. Allele origin: germline.
Comment: This sequence change replaces aspartic acid, which is acidic and polar, with valine, which is neutral and non-polar, at codon 227 of the EXT2 protein (p.Asp227Val). This variant is not present in population databases (gnomAD no frequency). This missense change has been observed in individual(s) with multiple osteochondromas (Invitae). ClinVar contains an entry for this variant (Variation ID: 1461524). Advanced modeling of protein sequence and biophysical properties (such as structural, functional, and spatial information, amino acid conservation, physicochemical variation, residue mobility, and thermodynamic stability) performed at Invitae indicates that this missense variant is expected to disrupt EXT2 protein function. This variant disrupts the p.Asp227 amino acid residue in EXT2. Other variant(s) that disrupt this residue have been determined to be pathogenic (PMID: 9326317, 10713884, 10750558, 11432960, 16283885, 17041877). This suggests that this residue is clinically significant, and that variants that disrupt this residue are likely to be disease-causing. In summary, the currently available evidence indicates that the variant is pathogenic, but additional data are needed to prove that conclusively. Therefore, this variant has been classified as Likely Pathogenic.

Literature cited by the submitters: PubMed 9326317; PubMed 10713884; PubMed 10750558; PubMed 11432960; PubMed 16283885; PubMed 17041877.

NM_207122.2(EXT2):c.680A>T (p.Asp227Val)

Gene: EXT2 (exostosin glycosyltransferase 2; plus strand). Cytogenetic location: 11p11.2.
Variant type: single nucleotide variant.
Coding change: c.680A>T on transcript NM_207122.2 (MANE Select); coding-DNA position 680, A replaced by T.
Protein change: p.Asp227Val; replaces aspartic acid 227 with valine.
Molecular consequence: missense variant.
Genome position (GRCh38, 1-based): chr11:44,114,238, A>T. VCF-style: chr11-44114238-A-T. GRCh37 (hg19) VCF-style: chr11-44135788-A-T.
Other names: c.779A>T, p.Asp260Val (NM_000401.3); c.680A>T, p.Asp227Val (NM_001178083.3, NM_001389628.1, NM_001389630.1); short protein forms D260V, D227V.
Identifiers: ClinVar variation 1461524 (VCV001461524.6), dbSNP rs2134984829, ClinGen allele CA380164487.
Genomic context (GRCh38, chr11:44,114,238, plus strand): 5'-CTTTCAGGGCCCTGTTGGCTGGTGGCGGCTTTTCTACGTGGACTTACCGGCAAGGCTACG[A>T]TGTCAGCATTCCTGTCTATAGTCCACTGTCAGCTGAGGTGGATCTTCCAGAGAAAGGACC-3'
Protein context (NP_997005.1, residues 217-237): FSTWTYRQGY[Asp227Val]VSIPVYSPLS